The following is an entry in ClinVar:

NM_006648.4(WNK2):c.1978C>T (p.Pro660Ser)

Gene: WNK2 (WNK lysine deficient protein kinase 2; plus strand). Cytogenetic location: 9q22.31.
Variant type: single nucleotide variant.
Coding change: c.1978C>T on transcript NM_006648.4 (MANE Select); coding-DNA position 1978, C replaced by T.
Protein change: p.Pro660Ser; replaces proline 660 with serine.
Molecular consequence: missense variant.
Genome position (GRCh38, 1-based): chr9:93,253,026, C>T. VCF-style: chr9-93253026-C-T. GRCh37 (hg19) VCF-style: chr9-96015308-C-T.
Other names: c.1978C>T, p.Pro660Ser (NM_001282394.3); short protein forms P660S.
Identifiers: ClinVar variation 3816543 (VCV003816543.1).

ClinVar aggregate classification (germline): Uncertain significance (1 of 4 stars; one submission).

Submission:

Ambry Genetics
Classification: Uncertain significance. Last evaluated: 2024-12-20. Review status: criteria provided, single submitter. Criteria: Ambry Variant Classification Scheme 2023. Collection method: clinical testing. Allele origin: germline.
Comment: The p.P660S variant (also known as c.1978C>T), located in coding exon 8 of the WNK2 gene, results from a C to T substitution at nucleotide position 1978. The proline at codon 660 is replaced by serine, an amino acid with similar properties. This amino acid position is conserved. In addition, this alteration is predicted to be tolerated by in silico analysis. Based on the available evidence, the clinical significance of this variant remains unclear.